The following is an entry in ClinVar:

GRCh38/hg38 16p13.11(chr16:14875002-16269382)x3

Genes: ABCC1 (ATP binding cassette subfamily C member 1 (ABCC1 blood group); plus strand), ABCC6 (ATP binding cassette subfamily C member 6; minus strand), BMERB1 (bMERB domain containing 1; plus strand), CEP20 (centrosomal protein 20; minus strand), MARF1 (meiosis regulator and mRNA stability factor 1; minus strand) and 41 more. Cytogenetic location: 16p13.11.
Variant type: copy number gain.
Change: copy number 3 (three copies instead of two) of chr16:14,875,002-16,269,382 (1.39 Mb, GRCh38 coordinates, 1-based), cytogenetic band 16p13.11.
Identifiers: ClinVar variation 4890930 (VCV004890930.1).

ClinVar aggregate classification (germline): Likely pathogenic (1 of 4 stars; one submission).

Submission:

Clinical Genomics Laboratory, Laboratory for Precision Diagnostics, University of Washington
Classification: Likely pathogenic. Last evaluated: 2023-04-12. Review status: criteria provided, single submitter. Criteria: ACMG/ClinGen CNV Guidelines, 2019. Collection method: clinical testing. Allele origin: unknown. Affected: yes. Observed: 1 variant allele.
Comment: This 16p13.11 duplication is approximately 1.4 Mb in size and encompasses a portion or all of 15 protein-coding genes, including NDE1 and MYH11. It fully encompasses the recurrent microduplication of 16p13.11 between BP2 and BP3.

Literature cited by the submitters: PubMed 30287593; PubMed 30767844.